The following is an entry in ClinVar:

ClinVar aggregate classification (germline): Likely benign (1 of 4 stars; one submission).

Conditions:
SH3TC2-related disorder. Also called: SH3TC2-related disorders; SH3TC2-related condition. Identifiers: MedGen CN239303.

Submission:

PreventionGenetics, part of Exact Sciences
Classification: Likely benign for SH3TC2-related condition. Last evaluated: 2025-12-23. Review status: criteria provided, single submitter. Criteria: ACMG Guidelines, 2015. Collection method: clinical testing. Allele origin: germline.
Comment: This variant is classified as likely benign based on ACMG/AMP sequence variant interpretation guidelines (Richards et al. 2015 PMID: 25741868, with internal and published modifications).

NM_024577.4(SH3TC2):c.1977G>A (p.Leu659=)

Gene: SH3TC2 (SH3 domain and tetratricopeptide repeats 2; minus strand). Cytogenetic location: 5q32.
Variant type: single nucleotide variant.
Coding change: c.1977G>A on transcript NM_024577.4 (MANE Select); coding-DNA position 1977, G replaced by A.
Protein change: p.Leu659=; no amino-acid change (leucine 659 retained).
Molecular consequence: synonymous variant.
Genome position (GRCh38, 1-based): chr5:149,027,755, C>T on the plus strand (G>A on the coding strand, the complement: SH3TC2 is on the minus strand). VCF-style: chr5-149027755-C-T. GRCh37 (hg19) VCF-style: chr5-148407318-C-T.
Identifiers: ClinVar variation 4982417 (VCV004982417.1).